The following is an entry in ClinVar:

NM_006445.4(PRPF8):c.1694G>A (p.Arg565Gln)

Gene: PRPF8 (pre-mRNA processing factor 8; minus strand). Cytogenetic location: 17p13.3.
Variant type: single nucleotide variant.
Coding change: c.1694G>A on transcript NM_006445.4 (MANE Select); coding-DNA position 1694, G replaced by A.
Protein change: p.Arg565Gln; replaces arginine 565 with glutamine.
Molecular consequence: missense variant.
Genome position (GRCh38, 1-based): chr17:1,678,787, C>T on the plus strand (G>A on the coding strand, the complement: PRPF8 is on the minus strand). VCF-style: chr17-1678787-C-T. GRCh37 (hg19) VCF-style: chr17-1582081-C-T.
Other names: short protein forms R565Q.
Identifiers: ClinVar variation 1519773 (VCV001519773.8), dbSNP rs2151129624, ClinGen allele CA397559174.

ClinVar aggregate classification (germline): Uncertain significance (1 of 4 stars; one submission).

Submission:

Labcorp Genetics (formerly Invitae), Labcorp
Classification: Uncertain significance. Last evaluated: 2022-01-26. Review status: criteria provided, single submitter. Criteria: Invitae Variant Classification Sherloc (09022015). Collection method: clinical testing. Allele origin: germline.
Comment: This variant is not present in population databases (gnomAD no frequency). In summary, the available evidence is currently insufficient to determine the role of this variant in disease. Therefore, it has been classified as a Variant of Uncertain Significance. Algorithms developed to predict the effect of missense changes on protein structure and function are either unavailable or do not agree on the potential impact of this missense change (SIFT: "Deleterious"; PolyPhen-2: "Probably Damaging"; Align-GVGD: "Class C0"). This variant has not been reported in the literature in individuals affected with PRPF8-related conditions. This sequence change replaces arginine, which is basic and polar, with glutamine, which is neutral and polar, at codon 565 of the PRPF8 protein (p.Arg565Gln).